The following is an entry in ClinVar:

ClinVar aggregate classification (germline): Benign. Review status: criteria provided, multiple submitters, no conflicts (2 of 4 stars). 2 submissions from 2 submitters: Benign (2). Last evaluated 2018-01-13.

Conditions:
Hyaline fibromatosis syndrome (HFS). Also called: Hyalinosis, Inherited Systemic; HYALINOSIS, SYSTEMIC. Identifiers: Orphanet 2028, Orphanet 498474, MedGen C5574677, MONDO:0009229, OMIM 228600.

Allele frequency attached by ClinVar (database versions not stated): 1000 Genomes Project 30x 0.13898; 1000 Genomes Project 0.14257; TOPMed 0.18239; gnomAD 0.18258; gnomAD exomes 0.20974.
gnomAD v4.1: 31,365 of 167,492 alleles (19%); highest among the groups gnomAD compares: Middle Eastern, 25%; 3,347 homozygotes.

Submissions (2):

Illumina Laboratory Services, Illumina
Classification: Benign for Hyaline fibromatosis syndrome. Last evaluated: 2018-01-13. Review status: criteria provided, single submitter. Criteria: ICSL Variant Classification Criteria 13 December 2019. Collection method: clinical testing. Allele origin: germline.
Comment: This variant was observed in the ICSL laboratory as part of a predisposition screen in an ostensibly healthy population. It had not been previously curated by ICSL or reported in the Human Gene Mutation Database (HGMD: prior to June 1st, 2018), and was therefore a candidate for classification through an automated scoring system. Utilizing variant allele frequency, disease prevalence and penetrance estimates, and inheritance mode, an automated score was calculated to assess if this variant is too frequent to cause the disease. Based on the score and internal cut-off values, a variant classified as benign is not then subjected to further curation. The score for this variant resulted in a classification of benign for this disease.

Breakthrough Genomics
Classification: Benign. Review status: criteria provided, single submitter. Criteria: ACMG Guidelines, 2015. Collection method: not provided. Allele origin: germline. Inheritance: Autosomal recessive inheritance. Affected: yes.

NM_058172.6(ANTXR2):c.-410G>A

Gene: ANTXR2 (ANTXR cell adhesion molecule 2; minus strand). Cytogenetic location: 4q21.21.
Variant type: single nucleotide variant.
Coding change: c.-410G>A on transcript NM_058172.6 (MANE Select); 410 bases upstream of the start codon, G replaced by A.
Molecular consequence: 5 prime UTR variant. On other transcripts: intron variant (1).
Genome position (GRCh38, 1-based): chr4:80,072,970, C>T on the plus strand (G>A on the coding strand, the complement: ANTXR2 is on the minus strand). VCF-style: chr4-80072970-C-T. GRCh37 (hg19) VCF-style: chr4-80994124-C-T.
Other names: c.-410G>A (NM_001145794.2); c.-341G>A (NM_001286781.2); c.-80+425G>A (NM_001286780.2).
Identifiers: ClinVar variation 349897 (VCV000349897.6), dbSNP rs72869605, ClinGen allele CA10618486.
Genomic context (GRCh38, chr4:80,072,970, plus strand): 5'-AGCCTCCAGCGCCCGCCTCGGACCCGGACCTGGAACCCACCCCGCCTGGAGGGCTGAAGT[C>T]CCCCCCGCTGCCGTGCGCTTCGGGACAAGGGGTCCCTGGGACGCGGCGACGGCAGAACAA-3'